The following is an entry in ClinVar:

ClinVar aggregate classification (germline): Uncertain significance. Review status: criteria provided, multiple submitters, no conflicts (2 of 4 stars). 2 submissions from 2 submitters: Uncertain significance (2). Last evaluated 2024-12-16.

Conditions:
Seizures, benign familial infantile, 3 (BFIS3). Also called: CONVULSIONS, BENIGN FAMILIAL INFANTILE, 3; Familial neonatal seizures. Identifiers: Orphanet 140927, Orphanet 306, MedGen C1843140, MONDO:0011904, OMIM 607745.
Developmental and epileptic encephalopathy, 11 (DEE11). Also called: Early infantile epileptic encephalopathy 11. Identifiers: Orphanet 1934, MedGen C3150987, MONDO:0013388, OMIM 613721.

gnomAD v4.1: 1 of 1,613,990 alleles (0.000062%); no homozygotes.

Submissions (2):

Dasa
Classification: Uncertain significance. Last evaluated: 2024-12-16. Review status: criteria provided, single submitter. Criteria: DASA Assertion Criteria. Collection method: clinical testing. Allele origin: germline.
Comment: NM_001040142.2(SCN2A):c.3043G>T (p.Asp1015Tyr) is a missense variant that results in the substitution of aspartic acid with tyrosine. This variant is rare in population databases. The currently available literature and clinical evidence are not sufficient to establish a definitive association between this variant and the reported condition. Therefore, this variant is classified as a variant of uncertain significance.

Labcorp Genetics (formerly Invitae), Labcorp
Classification: Uncertain significance for Seizures, benign familial infantile, 3; Developmental and epileptic encephalopathy, 11. Last evaluated: 2020-10-08. Review status: criteria provided, single submitter. Criteria: Invitae Variant Classification Sherloc (09022015). Collection method: clinical testing. Allele origin: germline.
Comment: This sequence change replaces aspartic acid with tyrosine at codon 1015 of the SCN2A protein (p.Asp1015Tyr). The aspartic acid residue is highly conserved and there is a large physicochemical difference between aspartic acid and tyrosine. In summary, the available evidence is currently insufficient to determine the role of this variant in disease. Therefore, it has been classified as a Variant of Uncertain Significance. Algorithms developed to predict the effect of missense changes on protein structure and function are either unavailable or do not agree on the potential impact of this missense change (SIFT: "Deleterious"; PolyPhen-2: "Probably Damaging"; Align-GVGD: "Class C15"). This variant has not been reported in the literature in individuals with SCN2A-related conditions. This variant is not present in population databases (ExAC no frequency).

NM_001040142.2(SCN2A):c.3043G>T (p.Asp1015Tyr)

Gene: SCN2A (sodium voltage-gated channel alpha subunit 2; plus strand). Cytogenetic location: 2q24.3.
Variant type: single nucleotide variant.
Coding change: c.3043G>T on transcript NM_001040142.2 (MANE Select); coding-DNA position 3043, G replaced by T.
Protein change: p.Asp1015Tyr; replaces aspartic acid 1015 with tyrosine.
Molecular consequence: missense variant.
Genome position (GRCh38, 1-based): chr2:165,354,315, G>T. VCF-style: chr2-165354315-G-T. GRCh37 (hg19) VCF-style: chr2-166210825-G-T.
Other names: c.3043G>T, p.Asp1015Tyr (NM_001040143.2, NM_001371246.1, NM_001371247.1 and 1 more transcripts); short protein forms D1015Y.
Identifiers: ClinVar variation 1036643 (VCV001036643.11), dbSNP rs747451714, ClinGen allele CA349019844.